The following is an entry in ClinVar:

NM_000297.4(PKD2):c.1594G>T (p.Val532Leu)

Gene: PKD2 (polycystin 2, transient receptor potential cation channel; plus strand). Cytogenetic location: 4q22.1.
Variant type: single nucleotide variant.
Coding change: c.1594G>T on transcript NM_000297.4 (MANE Select); coding-DNA position 1594, G replaced by T.
Protein change: p.Val532Leu; replaces valine 532 with leucine.
Molecular consequence: missense variant. On other transcripts: non-coding transcript variant (1).
Genome position (GRCh38, 1-based): chr4:88,052,036, G>T. VCF-style: chr4-88052036-G-T. GRCh37 (hg19) VCF-style: chr4-88973188-G-T.
Other names: short protein forms V532L.
Identifiers: ClinVar variation 2843148 (VCV002843148.3), dbSNP rs758273926, ClinGen allele CA3003997.

ClinVar aggregate classification (germline): Uncertain significance (1 of 4 stars; one submission).

Conditions:
Autosomal dominant polycystic kidney disease. Identifiers: Orphanet 730, MedGen C0085413, MONDO:0004691.

Allele frequency attached by ClinVar (database versions not stated): ExAC 0.00001; TOPMed 0.00001.

Submission:

Labcorp Genetics (formerly Invitae), Labcorp
Classification: Uncertain significance for Autosomal dominant polycystic kidney disease. Last evaluated: 2024-12-17. Review status: criteria provided, single submitter. Criteria: Invitae Variant Classification Sherloc (09022015). Collection method: clinical testing. Allele origin: germline.
Comment: This sequence change replaces valine, which is neutral and non-polar, with leucine, which is neutral and non-polar, at codon 532 of the PKD2 protein (p.Val532Leu). This variant is present in population databases (rs758273926, gnomAD 0.0009%). This variant has not been reported in the literature in individuals affected with PKD2-related conditions. ClinVar contains an entry for this variant (Variation ID: 2843148). Invitae Evidence Modeling of protein sequence and biophysical properties (such as structural, functional, and spatial information, amino acid conservation, physicochemical variation, residue mobility, and thermodynamic stability) has been performed for this missense variant. However, the output from this modeling did not meet the statistical confidence thresholds required to predict the impact of this variant on PKD2 protein function. In summary, the available evidence is currently insufficient to determine the role of this variant in disease. Therefore, it has been classified as a Variant of Uncertain Significance.